The following is an entry in ClinVar:

ClinVar aggregate classification (germline): Uncertain significance (1 of 4 stars; one submission).

Submission:

GeneDx
Classification: Uncertain significance. Last evaluated: 2025-06-14. Review status: criteria provided, single submitter. Criteria: GeneDx Variant Classification Process June 2021. Collection method: clinical testing. Allele origin: germline. Affected: yes.
Comment: Not observed at significant frequency in large population cohorts (gnomAD); In silico analysis supports that this missense variant has a deleterious effect on protein structure/function; Has not been previously published as pathogenic or benign to our knowledge

NM_001303256.3(MORC2):c.632A>G (p.Glu211Gly)

Gene: MORC2 (MORC family CW-type zinc finger 2; minus strand). Cytogenetic location: 22q12.2.
Variant type: single nucleotide variant.
Coding change: c.632A>G on transcript NM_001303256.3 (MANE Select); coding-DNA position 632, A replaced by G.
Protein change: p.Glu211Gly; replaces glutamic acid 211 with glycine.
Molecular consequence: missense variant.
Genome position (GRCh38, 1-based): chr22:30,941,957, T>C on the plus strand (A>G on the coding strand, the complement: MORC2 is on the minus strand). VCF-style: chr22-30941957-T-C. GRCh37 (hg19) VCF-style: chr22-31337944-T-C.
Other names: c.632A>G, p.Glu211Gly (NM_001303257.2); c.446A>G, p.Glu149Gly (NM_014941.3); short protein forms E149G, E211G.
Identifiers: ClinVar variation 4537790 (VCV004537790.1).